The following is an entry in ClinVar:

NM_015656.2(KIF26A):c.2371A>G (p.Ile791Val)

Gene: KIF26A (kinesin family member 26A; plus strand). Cytogenetic location: 14q32.33.
Variant type: single nucleotide variant.
Coding change: c.2371A>G on transcript NM_015656.2 (MANE Select); coding-DNA position 2371, A replaced by G.
Protein change: p.Ile791Val; replaces isoleucine 791 with valine.
Molecular consequence: missense variant.
Genome position (GRCh38, 1-based): chr14:104,175,159, A>G. VCF-style: chr14-104175159-A-G. GRCh37 (hg19) VCF-style: chr14-104641496-A-G.
Other names: short protein forms I791V.
Identifiers: ClinVar variation 5023247 (VCV005023247.1).
Genomic context (GRCh38, chr14:104,175,159, plus strand): 5'-CCCTGCCTGCCCGGTGACCCCGATTACTCCTCCAGCAGCGAGCAGTCCTGTGACACGGTC[A>G]TCTACGTGGGGCCCGGTGGGGCGGCGCTGTCAGACCGGGAGCTCACCGACAACGAAGGTC-3'
Protein context (NP_056471.1, residues 781-801): SSSEQSCDTV[Ile791Val]YVGPGGAALS

ClinVar aggregate classification (germline): Uncertain significance (1 of 4 stars; one submission).

gnomAD v4.1: 11 of 1,607,686 alleles (0.00068%); highest among the groups gnomAD compares: African/African-American, 0.015%; no homozygotes.

Submission:

Ambry Genetics
Classification: Uncertain significance. Last evaluated: 2026-08-13. Review status: criteria provided, single submitter. Criteria: Ambry Variant Classification Scheme 2023. Collection method: clinical testing. Allele origin: germline.
Comment: The c.2371A>G (p.I791V) alteration is located in exon 12 (coding exon 12) of the KIF26A gene. This alteration results from a A to G substitution at nucleotide position 2371, causing the isoleucine (I) at amino acid position 791 to be replaced by a valine (V). Based on data from gnomAD, the G allele has an overall frequency of 0.003% (9/269534) total alleles studied. The highest observed frequency was 0.04% (9/22486) of African alleles. Based on insufficient or conflicting evidence, the clinical significance of this alteration remains unclear.